The following is an entry in ClinVar:

NM_018979.4(WNK1):c.219CAC[4] (p.Thr75_Glu76insThrThr)

Gene: WNK1 (WNK lysine deficient protein kinase 1; plus strand). Cytogenetic location: 12p13.33.
Variant type: Microsatellite.
Coding change: c.219CAC[4] on transcript NM_018979.4 (MANE Select); four copies in a row of the 3-base unit CAC starting at c.219; the reference has two copies in a row; two copies, 6 bases duplicated.
Protein change: p.Thr75_Glu76insThrThr.
Molecular consequence: inframe insertion.
Genome position (GRCh38, 1-based): chr12:753,784-753,789, CACCAC duplicated; duplicating any 6 consecutive bases within chr12:753,782-753,789 gives the same sequence; the position shown is the placement nearest the transcript's 3' end. VCF-style (leftmost placement, unchanged base first): chr12-753781-T-TACCACC. GRCh37 (hg19) VCF-style: chr12-862947-T-TACCACC.
Other names: c.219CAC[4], p.Thr75_Glu76insThrThr (NM_001184985.2, NM_014823.3, NM_213655.5).
Identifiers: ClinVar variation 2930974 (VCV002930974.3), dbSNP rs1565375669, ClinGen allele CA478083116.
Genomic context (GRCh38, chr12:753,781, plus strand): 5'-GGAGTACAGGCGCCGCCGCCACACTATGGACAAGGACAGCCGTGGGGCGGCCGCGACCAC[T>TACCACC]ACCACCACTGAGCACCGCTTCTTCCGCCGGAGCGTCATCTGTGACTCCAATGCCACTGCA-3'

ClinVar aggregate classification (germline): Uncertain significance (1 of 4 stars; one submission).

Conditions:
Neuropathy, hereditary sensory and autonomic, type 2A (HSAN2A). Also called: HSAN IIA; WNK1-Related HSAN2 (HSAN2A); ACROOSTEOLYSIS, GIACCAI TYPE; ACROOSTEOLYSIS, NEUROGENIC; MORVAN DISEASE; NEUROPATHY, CONGENITAL SENSORY. Identifiers: Orphanet 970, MedGen C2752089, MONDO:0024309, OMIM 201300.
Pseudohypoaldosteronism type 2C (PHA2C). Also called: Pseudohypoaldosteronism Type IIC. Identifiers: Orphanet 757, Orphanet 88940, MedGen C1840391, MONDO:0013778, OMIM 614492.

Submission:

Labcorp Genetics (formerly Invitae), Labcorp
Classification: Uncertain significance for Neuropathy, hereditary sensory and autonomic, type 2A; Pseudohypoaldosteronism type 2C. Last evaluated: 2023-05-19. Review status: criteria provided, single submitter. Criteria: Invitae Variant Classification Sherloc (09022015). Collection method: clinical testing. Allele origin: germline.
Comment: This variant, c.219_224dup, results in the insertion of 2 amino acid(s) of the WNK1 protein (p.Thr74_Thr75dup), but otherwise preserves the integrity of the reading frame. This variant has not been reported in the literature in individuals affected with WNK1-related conditions. In summary, the available evidence is currently insufficient to determine the role of this variant in disease. Therefore, it has been classified as a Variant of Uncertain Significance. Experimental studies and prediction algorithms are not available or were not evaluated, and the functional significance of this variant is currently unknown. This variant is present in population databases (no rsID available, gnomAD 0.006%).